The following is an entry in ClinVar:

NM_007294.4(BRCA1):c.161A>G (p.Gln54Arg)

Gene: BRCA1 (BRCA1 DNA repair associated; minus strand). Cytogenetic location: 17q21.31.
Variant type: single nucleotide variant.
Coding change: c.161A>G on transcript NM_007294.4 (MANE Select); coding-DNA position 161, A replaced by G.
Protein change: p.Gln54Arg; replaces glutamine 54 with arginine.
Molecular consequence: missense variant. On other transcripts: non-coding transcript variant (1).
Genome position (GRCh38, 1-based): chr17:43,106,507, T>C on the plus strand (A>G on the coding strand, the complement: BRCA1 is on the minus strand). VCF-style: chr17-43106507-T-C. GRCh37 (hg19) VCF-style: chr17-41258524-T-C.
Other names: 280A>G; c.161A>G, p.Gln54Arg (NM_001407621.1, NM_001407622.1, NM_001407623.1 and 168 more transcripts); c.20A>G, p.Gln7Arg (NM_001407692.1, NM_001407694.1, NM_001407695.1 and 99 more transcripts); c.-28A>G (NM_001407853.1, NM_001407879.1, NM_001407881.1 and 58 more transcripts); short protein forms Q54R, Q7R.
Identifiers: ClinVar variation 37422 (VCV000037422.14), dbSNP rs397507189, ClinGen allele CA001078.

ClinVar aggregate classification (germline): Conflicting classifications of pathogenicity. Review status: criteria provided, conflicting classifications (1 of 4 stars). 5 submissions from 5 submitters: Uncertain significance (3); Likely benign (1). 1 of the submissions does not count toward it. Last evaluated 2024-11-12.

Conditions:
Hereditary cancer-predisposing syndrome. Also called: Tumor predisposition; Neoplastic Syndromes, Hereditary; Hereditary Cancer Syndrome; Hereditary neoplastic syndrome. Identifiers: Orphanet 140162, MedGen C0027672, MeSH D009386, MONDO:0015356.
Hereditary breast ovarian cancer syndrome. Also called: Hereditary breast and ovarian cancer syndrome (HBOC); Hereditary breast and ovarian cancer syndrome; Hereditary breast and ovarian cancer; Hereditary breast and/or ovarian cancer syndrome; Breast and ovarian cancer; BRCA1- and BRCA2-Associated Hereditary Breast and Ovarian Cancer. Identifiers: Orphanet 145, MedGen C0677776, MeSH D061325, MONDO:0003582. Disease mechanism: loss of function.
Breast-ovarian cancer, familial, susceptibility to, 1 (BROVCA1). Also called: OVARIAN CANCER, SUSCEPTIBILITY TO; BRCA1 Hereditary Breast and Ovarian Cancer. Identifiers: Orphanet 145, MedGen C2676676, MONDO:0011450, OMIM 604370. Disease mechanism: loss of function.

Allele frequency attached by ClinVar (database versions not stated): gnomAD exomes below 0.00001.
gnomAD v4.1: 1 of 1,603,460 alleles (0.000062%); highest among the groups gnomAD compares: Non-Finnish European, 0.000085%; no homozygotes.

Submissions (6):

Ambry Genetics
Classification: Likely benign for Hereditary cancer-predisposing syndrome. Last evaluated: 2024-11-12. Review status: criteria provided, single submitter. Criteria: Ambry Variant Classification Scheme 2023. Collection method: clinical testing. Allele origin: germline.

Baylor Genetics
Classification: Uncertain significance for Breast-ovarian cancer, familial, susceptibility to, 1. Last evaluated: 2023-10-12. Review status: criteria provided, single submitter. Criteria: ACMG Guidelines, 2015. Collection method: clinical testing. Allele origin: unknown.

Labcorp Genetics (formerly Invitae), Labcorp
Classification: Uncertain significance for Hereditary breast ovarian cancer syndrome. Last evaluated: 2022-01-16. Review status: criteria provided, single submitter. Criteria: Invitae Variant Classification Sherloc (09022015). Collection method: clinical testing. Allele origin: germline.
Comment: In summary, the available evidence is currently insufficient to determine the role of this variant in disease. Therefore, it has been classified as a Variant of Uncertain Significance. Experimental studies have shown that this missense change does not substantially affect BRCA1 function (PMID: 30209399). Advanced modeling of protein sequence and biophysical properties (such as structural, functional, and spatial information, amino acid conservation, physicochemical variation, residue mobility, and thermodynamic stability) performed at Invitae indicates that this missense variant is not expected to disrupt BRCA1 protein function. ClinVar contains an entry for this variant (Variation ID: 37422). This missense change has been observed in individual(s) with breast cancer (PMID: 32803532). This variant is not present in population databases (gnomAD no frequency). This sequence change replaces glutamine, which is neutral and polar, with arginine, which is basic and polar, at codon 54 of the BRCA1 protein (p.Gln54Arg).

Breast Center, Key Laboratory of Carcinogenesis and Translational Research
Classification: Uncertain significance for Hereditary breast and ovarian cancer syndrome. Last evaluated: 2020-05-01. Review status: criteria provided, single submitter. Criteria: ACMG Guidelines, 2015. Collection method: clinical testing. Allele origin: germline. Observed: 1 variant allele.

Sharing Clinical Reports Project (SCRP)
Classification: Uncertain significance for Breast-ovarian cancer, familial 1. Last evaluated: 2009-07-13. Review status: no assertion criteria provided. Collection method: clinical testing. Allele origin: germline. Not counted in ClinVar's aggregate classification.

Brotman Baty Institute, University of Washington
No classification provided (evidence only). Condition: Breast-ovarian cancer, familial 1. Review status: no classification provided. Collection method: in vitro. Allele origin: not applicable. Functional consequence: functionally_normal. Not counted in ClinVar's aggregate classification.
ClinVar note: "not provided" was previously submitted as the classification for the variant. However, the classification appeared to be based only on an observation of functional data so it was converted to no classification on 2025-07-30.

Literature cited by the submitters: PubMed 30209399 (cited by 3 submitters); PubMed 32803532 (cited by Labcorp Genetics (formerly Invitae), Labcorp).